The following is an entry in ClinVar:

NM_001040142.2(SCN2A):c.1671+45A>T

Gene: SCN2A (sodium voltage-gated channel alpha subunit 2; plus strand). Cytogenetic location: 2q24.3.
Variant type: single nucleotide variant.
Coding change: c.1671+45A>T on transcript NM_001040142.2 (MANE Select); 45 bases into the intron after coding-DNA position 1671, A replaced by T.
Molecular consequence: intron variant.
Genome position (GRCh38, 1-based): chr2:165,315,803, A>T. VCF-style: chr2-165315803-A-T. GRCh37 (hg19) VCF-style: chr2-166172313-A-T.
Other names: c.1671+45A>T (NM_001040143.2, NM_001371246.1, NM_001371247.1 and 1 more transcripts).
Identifiers: ClinVar variation 673509 (VCV000673509.2), dbSNP rs189735691, ClinGen allele CA1939855.

ClinVar aggregate classification (germline): Likely benign. Review status: criteria provided, multiple submitters, no conflicts (2 of 4 stars). 2 submissions from 2 submitters: Likely benign (2). Last evaluated 2018-06-14.

Allele frequency attached by ClinVar (database versions not stated): gnomAD exomes 0.00111 and 0.00204; ESP Exome Variant Server 0.00157; ExAC 0.00256; gnomAD 0.00801 and 0.00851; TOPMed 0.00878; 1000 Genomes Project 0.01298.
gnomAD v4.1: 2,889 of 1,592,690 alleles (0.18%); highest among the groups gnomAD compares: African/African-American, 2.7%; 39 homozygotes.

Submissions (2):

GeneDx
Classification: Likely benign. Last evaluated: 2018-06-14. Review status: criteria provided, single submitter. Criteria: GeneDx Variant Classification (06012015). Collection method: clinical testing. Allele origin: germline. Affected: yes.
Comment: This variant is considered likely benign or benign based on one or more of the following criteria: it is a conservative change, it occurs at a poorly conserved position in the protein, it is predicted to be benign by multiple in silico algorithms, and/or has population frequency not consistent with disease.

Breakthrough Genomics
Classification: Likely benign. Review status: criteria provided, single submitter. Criteria: ACMG Guidelines, 2015. Collection method: not provided. Allele origin: germline. Inheritance: Autosomal dominant inheritance. Affected: yes.